The following is an entry in ClinVar:

ClinVar aggregate classification (germline): Uncertain significance. Review status: criteria provided, multiple submitters, no conflicts (2 of 4 stars). 2 submissions from 2 submitters: Uncertain significance (2). Last evaluated 2026-04-16.

Conditions:
Inborn genetic diseases. Identifiers: MedGen C0950123, MeSH D030342.

gnomAD v4.1: 3 of 1,613,524 alleles (0.00019%); highest among the groups gnomAD compares: African/African-American, 0.0027%; no homozygotes.

Submissions (3):

Ambry Genetics
Classification: Uncertain significance for Inborn genetic diseases. Last evaluated: 2026-04-16. Review status: criteria provided, single submitter. Criteria: Ambry Variant Classification Scheme 2023. Collection method: clinical testing. Allele origin: germline.

Women's Health and Genetics/Laboratory Corporation of America, LabCorp
Classification: Uncertain significance. Last evaluated: 2024-10-25. Review status: criteria provided, single submitter. Criteria: LabCorp Variant Classification Summary - May 2015. Collection method: clinical testing. Allele origin: germline.
Comment: Variant summary: EP300 c.1880C>T (p.Ala627Val) results in a non-conservative amino acid change located in the Coactivator CBP, KIX domain (IPR003101) of the encoded protein sequence. Four of five in-silico tools predict a damaging effect of the variant on protein function. Consensus agreement among computation tools predict no significant impact on normal splicing. However, these predictions have yet to be confirmed by functional studies. The variant allele was found at a frequency of 4e-06 in 250904 control chromosomes. The available data on variant occurrences in the general population are insufficient to allow any conclusion about variant significance. To our knowledge, no occurrence of c.1880C>T in individuals affected with Rubinstein-Taybi Syndrome 2 and no experimental evidence demonstrating its impact on protein function have been reported. ClinVar contains an entry for this variant (Variation ID: 2606689). Based on the evidence outlined above, the variant was classified as uncertain significance.

Dr. Peter K. Rogan Lab, Western University
No classification provided (evidence only). Condition: Cervical cancer. Review status: no classification provided. Collection method: in vitro. Allele origin: not applicable. Functional consequence: skipped exon. Not counted in ClinVar's aggregate classification.

NM_001429.4(EP300):c.1880C>T (p.Ala627Val)

Gene: EP300 (EP300 lysine acetyltransferase; plus strand). Cytogenetic location: 22q13.2.
Variant type: single nucleotide variant.
Coding change: c.1880C>T on transcript NM_001429.4 (MANE Select); coding-DNA position 1880, C replaced by T.
Protein change: p.Ala627Val; replaces alanine 627 with valine.
Molecular consequence: missense variant.
Genome position (GRCh38, 1-based): chr22:41,141,049, C>T. VCF-style: chr22-41141049-C-T. GRCh37 (hg19) VCF-style: chr22-41537053-C-T.
Other names: NC_000022.10:g.41537053C>T; c.1880C>T, p.Ala627Val (NM_001362843.2); short protein forms A627V.
Identifiers: ClinVar variation 2606689 (VCV002606689.5), dbSNP rs1280109939, ClinGen allele CA411687952.